The following is an entry in ClinVar:

NM_005188.4(CBL):c.597A>G (p.Ile199Met)

Gene: CBL (Cbl proto-oncogene; plus strand). Cytogenetic location: 11q23.3.
Variant type: single nucleotide variant.
Coding change: c.597A>G on transcript NM_005188.4 (MANE Select); coding-DNA position 597, A replaced by G.
Protein change: p.Ile199Met; replaces isoleucine 199 with methionine.
Molecular consequence: missense variant.
Genome position (GRCh38, 1-based): chr11:119,273,874, A>G. VCF-style: chr11-119273874-A-G. GRCh37 (hg19) VCF-style: chr11-119144584-A-G.
Other names: short protein forms I199M.
Identifiers: ClinVar variation 3996046 (VCV003996046.2).

ClinVar aggregate classification (germline): Uncertain significance. Review status: criteria provided, multiple submitters, no conflicts (2 of 4 stars). 2 submissions from 2 submitters: Uncertain significance (2). Last evaluated 2025-05-06.

Conditions:
RASopathy. Also called: Noonan spectrum disorder; rasopathies. Identifiers: Orphanet 536391, MedGen C5555857, MONDO:0021060.
Cardiovascular phenotype. Identifiers: MedGen CN230736.

gnomAD v4.1: 4 of 1,613,840 alleles (0.00025%); highest among the groups gnomAD compares: Non-Finnish European, 0.00034%; no homozygotes.

Submissions (2):

Ambry Genetics
Classification: Uncertain significance for Cardiovascular phenotype. Last evaluated: 2025-05-06. Review status: criteria provided, single submitter. Criteria: Ambry Variant Classification Scheme 2023. Collection method: clinical testing. Allele origin: germline.
Comment: The p.I199M variant (also known as c.597A>G), located in coding exon 4 of the CBL gene, results from an A to G substitution at nucleotide position 597. The isoleucine at codon 199 is replaced by methionine, an amino acid with highly similar properties. This amino acid position is conserved. In addition, the in silico prediction for this alteration is inconclusive. Based on the available evidence, the clinical significance of this variant remains unclear.

Labcorp Genetics (formerly Invitae), Labcorp
Classification: Uncertain significance for RASopathy. Last evaluated: 2025-02-06. Review status: criteria provided, single submitter. Criteria: Invitae Variant Classification Sherloc (09022015). Collection method: clinical testing. Allele origin: germline.
Comment: This sequence change replaces isoleucine, which is neutral and non-polar, with methionine, which is neutral and non-polar, at codon 199 of the CBL protein (p.Ile199Met). This variant is not present in population databases (gnomAD no frequency). This variant has not been reported in the literature in individuals affected with CBL-related conditions. Invitae Evidence Modeling of protein sequence and biophysical properties (such as structural, functional, and spatial information, amino acid conservation, physicochemical variation, residue mobility, and thermodynamic stability) indicates that this missense variant is not expected to disrupt CBL protein function with a negative predictive value of 95%. In summary, the available evidence is currently insufficient to determine the role of this variant in disease. Therefore, it has been classified as a Variant of Uncertain Significance.